The following is an entry in ClinVar:

ClinVar aggregate classification (germline): Uncertain significance. Review status: criteria provided, multiple submitters, no conflicts (2 of 4 stars). 6 submissions from 6 submitters: Uncertain significance (6). Last evaluated 2026-03-26.

Conditions:
Brugada syndrome. Also called: Sudden unexpected nocturnal death syndrome; Sudden unexplained nocturnal death syndrome; Sudden Unexplained Death Syndrome; Sudden Unexplained Nocturnal Death Syndrome (SUNDS). Identifiers: Orphanet 130, MedGen C1142166, MONDO:0015263.
SCN10A-related disorder. Also called: SCN10A-related condition.
Episodic pain syndrome, familial, 2 (FEPS2). Identifiers: Orphanet 306577, MedGen C3809893, MONDO:0014246, OMIM 615551.
Cardiovascular phenotype. Identifiers: MedGen CN230736.

Allele frequency attached by ClinVar (database versions not stated): TOPMed 0.00004.
gnomAD v4.1: 50 of 1,613,362 alleles (0.0031%); highest among the groups gnomAD compares: Admixed American, 0.042%; no homozygotes.

Submissions (6):

PreventionGenetics, part of Exact Sciences
Classification: Uncertain significance for SCN10A-related condition. Last evaluated: 2026-03-26. Review status: criteria provided, single submitter. Criteria: ACMG Guidelines, 2015. Collection method: clinical testing. Allele origin: germline.
Comment: The SCN10A c.1052G>A variant is predicted to result in the amino acid substitution p.Arg351His. To our knowledge, this variant has not been reported in the literature. This variant is reported in 0.0087% of alleles in individuals of Latino descent in gnomAD. At this time, the clinical significance of this variant is uncertain due to the absence of conclusive functional and genetic evidence.

Ambry Genetics
Classification: Uncertain significance for Cardiovascular phenotype. Last evaluated: 2025-01-08. Review status: criteria provided, single submitter. Criteria: Ambry Variant Classification Scheme 2023. Collection method: clinical testing. Allele origin: germline.
Comment: Does not currently meet published gene-disease clinical validity criteria Based on insufficient or conflicting evidence, the clinical significance of this alteration remains unclear.

GeneDx
Classification: Uncertain significance. Last evaluated: 2024-09-10. Review status: criteria provided, single submitter. Criteria: GeneDx Variant Classification Process June 2021. Collection method: clinical testing. Allele origin: germline. Affected: yes.
Comment: Has not been previously published as pathogenic or benign to our knowledge; In silico analysis supports that this missense variant has a deleterious effect on protein structure/function

Labcorp Genetics (formerly Invitae), Labcorp
Classification: Uncertain significance for Brugada syndrome. Last evaluated: 2024-02-23. Review status: criteria provided, single submitter. Criteria: Invitae Variant Classification Sherloc (09022015). Collection method: clinical testing. Allele origin: germline.
Comment: This sequence change replaces arginine, which is basic and polar, with histidine, which is basic and polar, at codon 351 of the SCN10A protein (p.Arg351His). This variant is present in population databases (rs767987787, gnomAD 0.006%). This variant has not been reported in the literature in individuals affected with SCN10A-related conditions. ClinVar contains an entry for this variant (Variation ID: 569678). Advanced modeling of protein sequence and biophysical properties (such as structural, functional, and spatial information, amino acid conservation, physicochemical variation, residue mobility, and thermodynamic stability) performed at Invitae indicates that this missense variant is expected to disrupt SCN10A protein function with a positive predictive value of 80%. In summary, the available evidence is currently insufficient to determine the role of this variant in disease. Therefore, it has been classified as a Variant of Uncertain Significance.

Fulgent Genetics
Classification: Uncertain significance for Episodic pain syndrome, familial, 2. Last evaluated: 2021-10-29. Review status: criteria provided, single submitter. Criteria: ACMG Guidelines, 2015. Collection method: clinical testing. Allele origin: unknown.

New York Genome Center
Classification: Uncertain significance for Episodic pain syndrome, familial, 2. Last evaluated: 2019-06-13. Review status: criteria provided, single submitter. Criteria: NYGC Assertion Criteria 2020. Collection method: clinical testing. Allele origin: inherited. Observed: 1 heterozygote. Study: CSER-NYCKidSeq.

Literature cited by the submitters: PubMed 28106320 (cited by Ambry Genetics).

NM_006514.4(SCN10A):c.1052G>A (p.Arg351His)

Gene: SCN10A (sodium voltage-gated channel alpha subunit 10; minus strand). Cytogenetic location: 3p22.2.
Variant type: single nucleotide variant.
Coding change: c.1052G>A on transcript NM_006514.4 (MANE Select); coding-DNA position 1052, G replaced by A.
Protein change: p.Arg351His; replaces arginine 351 with histidine.
Molecular consequence: missense variant.
Genome position (GRCh38, 1-based): chr3:38,757,058, C>T on the plus strand (G>A on the coding strand, the complement: SCN10A is on the minus strand). VCF-style: chr3-38757058-C-T. GRCh37 (hg19) VCF-style: chr3-38798549-C-T.
Other names: c.1052G>A, p.Arg351His (NM_001293306.2, NM_001293307.2); short protein forms R351H.
Identifiers: ClinVar variation 569678 (VCV000569678.16), dbSNP rs767987787, ClinGen allele CA2320988.
Genomic context (GRCh38, chr3:38,757,058, plus strand): 5'-GGGGGAATGCAGCTCAGTACCTGCTGGTAGAGGCGTTCCCAGGAATCCTGTGTCATGAGG[C>T]GGAACAGTGAGAGGAAAGCCCAAGCAAAGGAATCAAAGCTGGTGTAGTTAAAATCCGGGT-3'
Protein context (NP_006505.4, residues 341-361): SFAWAFLSLF[Arg351His]LMTQDSWERL